The following is an entry in ClinVar:

NM_001105206.3(LAMA4):c.5224G>A (p.Val1742Met)

Gene: LAMA4 (laminin subunit alpha 4; minus strand). Cytogenetic location: 6q21.
Variant type: single nucleotide variant.
Coding change: c.5224G>A on transcript NM_001105206.3 (MANE Select); coding-DNA position 5224, G replaced by A.
Protein change: p.Val1742Met; replaces valine 1742 with methionine.
Molecular consequence: missense variant.
Genome position (GRCh38, 1-based): chr6:112,114,178, C>T on the plus strand (G>A on the coding strand, the complement: LAMA4 is on the minus strand). VCF-style: chr6-112114178-C-T. GRCh37 (hg19) VCF-style: chr6-112435381-C-T.
Other names: c.5203G>A, p.Val1735Met (NM_001105207.3, NM_002290.5); short protein forms V1735M, V1742M.
Identifiers: ClinVar variation 2866776 (VCV002866776.3), dbSNP rs2546964575, ClinGen allele CA365364430.
Genomic context (GRCh38, chr6:112,114,178, plus strand): 5'-GTTTTGGATTCAGGGGTCCAACCACATGGTTCACTTCAGAGTCCACATCCAACTGAACCA[C>T]ATTAGAATCTCTAATAACTGAAATGCAGGGCAAAGACTGGTCATAAGTGGCACTGGAGTG-3'
Protein context (NP_001098676.2, residues 1732-1752): HRITVIRDSN[Val1742Met]VQLDVDSEVN

ClinVar aggregate classification (germline): Uncertain significance (1 of 4 stars; one submission).

Conditions:
Dilated cardiomyopathy 1JJ (CMD1JJ). Identifiers: Orphanet 154, MedGen C3808935, MONDO:0014095, OMIM 615235.

Submission:

Labcorp Genetics (formerly Invitae), Labcorp
Classification: Uncertain significance for Dilated cardiomyopathy 1JJ. Last evaluated: 2023-05-22. Review status: criteria provided, single submitter. Criteria: Invitae Variant Classification Sherloc (09022015). Collection method: clinical testing. Allele origin: germline.
Comment: This variant has not been reported in the literature in individuals affected with LAMA4-related conditions. This sequence change replaces valine, which is neutral and non-polar, with methionine, which is neutral and non-polar, at codon 1735 of the LAMA4 protein (p.Val1735Met). This variant is not present in population databases (gnomAD no frequency). An algorithm developed to predict the effect of missense changes on protein structure and function (PolyPhen-2) suggests that this variant is likely to be disruptive. In summary, the available evidence is currently insufficient to determine the role of this variant in disease. Therefore, it has been classified as a Variant of Uncertain Significance.